The following is an entry in ClinVar:

NM_020776.3(KIAA1328):c.1656C>G (p.Thr552=)

Gene: KIAA1328 (KIAA1328; plus strand). Cytogenetic location: 18q12.2.
Variant type: single nucleotide variant.
Coding change: c.1656C>G on transcript NM_020776.3 (MANE Select); coding-DNA position 1656, C replaced by G.
Protein change: p.Thr552=; no amino-acid change (threonine 552 retained).
Molecular consequence: synonymous variant. On other transcripts: non-coding transcript variant (2).
Genome position (GRCh38, 1-based): chr18:37,222,149, C>G. VCF-style: chr18-37222149-C-G. GRCh37 (hg19) VCF-style: chr18-34802112-C-G.
Other names: c.1440C>G, p.Thr480= (NM_001322327.2); c.1644C>G, p.Thr548= (NM_001353918.2); c.1332C>G, p.Thr444= (NM_001353919.2); c.804C>G, p.Thr268= (NM_001353920.2).
Identifiers: ClinVar variation 2648683 (VCV002648683.24), dbSNP rs9953605, ClinGen allele CA8943325.

ClinVar aggregate classification (germline): Likely benign (1 of 4 stars; one submission).

Allele frequency attached by ClinVar (database versions not stated): gnomAD exomes 0.00019; ExAC 0.00079; 1000 Genomes Project 0.00120; 1000 Genomes Project 30x 0.00125; gnomAD 0.00174; TOPMed 0.00211; ESP Exome Variant Server 0.00236.
gnomAD v4.1: 540 of 1,609,454 alleles (0.034%); highest among the groups gnomAD compares: African/African-American, 0.65%; 3 homozygotes.

Submission:

CeGaT Center for Human Genetics Tuebingen
Classification: Likely benign. Last evaluated: 2022-12-01. Review status: criteria provided, single submitter. Criteria: CeGaT Center For Human Genetics Tuebingen Variant Classification Criteria Version 2. Collection method: clinical testing. Allele origin: germline. Affected: yes. Observed: 1 variant allele.
Comment: KIAA1328: BP4, BP7